The following is an entry in ClinVar:

NM_000368.5(TSC1):c.3395C>T (p.Pro1132Leu)

Gene: TSC1 (TSC complex subunit 1; minus strand). Cytogenetic location: 9q34.13.
Variant type: single nucleotide variant.
Coding change: c.3395C>T on transcript NM_000368.5 (MANE Select); coding-DNA position 3395, C replaced by T.
Protein change: p.Pro1132Leu; replaces proline 1132 with leucine.
Molecular consequence: missense variant.
Genome position (GRCh38, 1-based): chr9:132,896,335, G>A on the plus strand (C>T on the coding strand, the complement: TSC1 is on the minus strand). VCF-style: chr9-132896335-G-A. GRCh37 (hg19) VCF-style: chr9-135771722-G-A.
Other names: c.3392C>T, p.Pro1131Leu (NM_001162426.2); c.3242C>T, p.Pro1081Leu (NM_001162427.2); c.3032C>T, p.Pro1011Leu (NM_001362177.2); short protein forms P1081L, P1011L, P1131L, P1132L.
Identifiers: ClinVar variation 661102 (VCV000661102.13), dbSNP rs1564469655, ClinGen allele CA375366459.

ClinVar aggregate classification (germline): Uncertain significance. Review status: criteria provided, multiple submitters, no conflicts (2 of 4 stars). 2 submissions from 2 submitters: Uncertain significance (2). Last evaluated 2024-02-06.

Conditions:
Hereditary cancer-predisposing syndrome. Also called: Neoplastic Syndromes, Hereditary; Hereditary neoplastic syndrome; Tumor predisposition; Hereditary Cancer Syndrome. Identifiers: Orphanet 140162, MedGen C0027672, MeSH D009386, MONDO:0015356.
Tuberous sclerosis 1 (TSC1). Identifiers: Orphanet 805, MedGen C1854465, MONDO:0008612, OMIM 191100.

gnomAD v4.1: 1 of 1,614,154 alleles (0.000062%); highest among the groups gnomAD compares: Admixed American, 0.0017%; no homozygotes.

Submissions (2):

Labcorp Genetics (formerly Invitae), Labcorp
Classification: Uncertain significance for Tuberous sclerosis 1. Last evaluated: 2024-02-06. Review status: criteria provided, single submitter. Criteria: Invitae Variant Classification Sherloc (09022015). Collection method: clinical testing. Allele origin: germline.
Comment: This sequence change replaces proline, which is neutral and non-polar, with leucine, which is neutral and non-polar, at codon 1132 of the TSC1 protein (p.Pro1132Leu). This variant is not present in population databases (gnomAD no frequency). This variant has not been reported in the literature in individuals affected with TSC1-related conditions. ClinVar contains an entry for this variant (Variation ID: 661102). Advanced modeling of protein sequence and biophysical properties (such as structural, functional, and spatial information, amino acid conservation, physicochemical variation, residue mobility, and thermodynamic stability) performed at Invitae indicates that this missense variant is not expected to disrupt TSC1 protein function with a negative predictive value of 95%. In summary, the available evidence is currently insufficient to determine the role of this variant in disease. Therefore, it has been classified as a Variant of Uncertain Significance.

Ambry Genetics
Classification: Uncertain significance for Hereditary cancer-predisposing syndrome. Last evaluated: 2021-08-24. Review status: criteria provided, single submitter. Criteria: Ambry Variant Classification Scheme 2023. Collection method: clinical testing. Allele origin: germline.
Comment: The p.P1132L variant (also known as c.3395C>T), located in coding exon 21 of the TSC1 gene, results from a C to T substitution at nucleotide position 3395. The proline at codon 1132 is replaced by leucine, an amino acid with similar properties. This amino acid position is not well conserved in available vertebrate species. In addition, this alteration is predicted to be tolerated by in silico analysis. Since supporting evidence is limited at this time, the clinical significance of this alteration remains unclear.